The following is an entry in ClinVar:

ClinVar aggregate classification (germline): Uncertain significance. Review status: criteria provided, multiple submitters, no conflicts (2 of 4 stars). 2 submissions from 2 submitters: Uncertain significance (2). Last evaluated 2025-08-09.

Conditions:
Evans syndrome, immunodeficiency, and premature immunosenescence associated with tripeptidyl-peptidase II deficiency. Identifiers: MedGen CN231723. Disease mechanism: loss of function.
Inborn genetic diseases. Identifiers: MedGen C0950123, MeSH D030342.

gnomAD v4.1: 105 of 1,613,484 alleles (0.0065%); highest among the groups gnomAD compares: South Asian, 0.11%; no homozygotes.

Submissions (2):

Ambry Genetics
Classification: Uncertain significance for Inborn genetic diseases. Last evaluated: 2025-08-09. Review status: criteria provided, single submitter. Criteria: Ambry Variant Classification Scheme 2023. Collection method: clinical testing. Allele origin: germline.

Labcorp Genetics (formerly Invitae), Labcorp
Classification: Uncertain significance for Evans syndrome, immunodeficiency, and premature immunosenescence associated with tripeptidyl-peptidase II deficiency. Last evaluated: 2025-06-15. Review status: criteria provided, single submitter. Criteria: Invitae Variant Classification Sherloc (09022015). Collection method: clinical testing. Allele origin: germline.
Comment: This sequence change replaces serine, which is neutral and polar, with phenylalanine, which is neutral and non-polar, at codon 1118 of the TPP2 protein (p.Ser1118Phe). This variant is present in population databases (rs370811332, gnomAD 0.09%). This variant has not been reported in the literature in individuals affected with TPP2-related conditions. An algorithm developed to predict the effect of missense changes on protein structure and function (PolyPhen-2) suggests that this variant is likely to be tolerated. In summary, the available evidence is currently insufficient to determine the role of this variant in disease. Therefore, it has been classified as a Variant of Uncertain Significance.

NM_001330588.2(TPP2):c.3392C>T (p.Ser1131Phe)

Gene: TPP2 (tripeptidyl peptidase 2; plus strand). Cytogenetic location: 13q33.1.
Variant type: single nucleotide variant.
Coding change: c.3392C>T on transcript NM_001330588.2 (MANE Select); coding-DNA position 3392, C replaced by T.
Protein change: p.Ser1131Phe; replaces serine 1131 with phenylalanine.
Molecular consequence: missense variant. On other transcripts: non-coding transcript variant (1).
Genome position (GRCh38, 1-based): chr13:102,674,303, C>T. VCF-style: chr13-102674303-C-T. GRCh37 (hg19) VCF-style: chr13-103326653-C-T.
Other names: c.3479C>T, p.Ser1160Phe (NM_001367947.1); c.3353C>T, p.Ser1118Phe (NM_003291.4); short protein forms S1118F, S1160F, S1131F.
Identifiers: ClinVar variation 4189511 (VCV004189511.2).